The following is an entry in ClinVar:

NM_002016.2(FLG):c.9906C>T (p.His3302=)

Genes: CCDST (cervical cancer associated DHX9 suppressive transcript; plus strand), FLG (filaggrin; minus strand). Cytogenetic location: 1q21.3.
Variant type: single nucleotide variant.
Coding change: c.9906C>T on transcript NM_002016.2 (MANE Select); coding-DNA position 9906, C replaced by T.
Protein change: p.His3302=; no amino-acid change (histidine 3302 retained).
Molecular consequence: synonymous variant.
Genome position (GRCh38, 1-based): chr1:152,304,980, G>A on the plus strand (C>T on the coding strand, the complement: FLG is on the minus strand). VCF-style: chr1-152304980-G-A. GRCh37 (hg19) VCF-style: chr1-152277456-G-A.
Identifiers: ClinVar variation 4083817 (VCV004083817.8).

ClinVar aggregate classification (germline): Likely benign (1 of 4 stars; one submission).

gnomAD v4.1: 291 of 1,613,368 alleles (0.018%); highest among the groups gnomAD compares: Admixed American, 0.043%; 1 homozygote.

Submission:

CeGaT Center for Human Genetics Tuebingen
Classification: Likely benign. Last evaluated: 2025-08-01. Review status: criteria provided, single submitter. Criteria: CeGaT Center For Human Genetics Tuebingen Variant Classification Criteria Version 2. Collection method: clinical testing. Allele origin: germline. Affected: yes. Observed: 1 variant allele.
Comment: FLG: BP4, BP7